The following is an entry in ClinVar:

ClinVar aggregate classification (germline): Pathogenic. Review status: criteria provided, multiple submitters, no conflicts (2 of 4 stars). 4 submissions from 4 submitters: Pathogenic (4). Last evaluated 2024-09-19.

Conditions:
Hereditary cancer-predisposing syndrome. Also called: Tumor predisposition; Neoplastic Syndromes, Hereditary; Hereditary neoplastic syndrome; Hereditary Cancer Syndrome. Identifiers: Orphanet 140162, MedGen C0027672, MeSH D009386, MONDO:0015356.
Ataxia-telangiectasia syndrome (AT). Also called: LOUIS-BAR SYNDROME; ATAXIA-TELANGIECTASIA, COMPLEMENTATION GROUP A; ATAXIA-TELANGIECTASIA, FRESNO VARIANT; Ataxia-telangiectasia; Cerebello-oculocutaneous telangiectasia; Immunodeficiency with ataxia telangiectasia. Identifiers: Orphanet 100, MedGen C0004135, MONDO:0008840, OMIM 208900.

Submissions (4):

Natera, Inc.
Classification: Pathogenic for Ataxia-telangiectasia. Last evaluated: 2024-09-19. Review status: criteria provided, single submitter. Criteria: Natera Variant Classification Schema (03/2026). Collection method: clinical testing. Allele origin: germline.
Comment: The c.4683_4689del variant in ATM is a frameshift variant predicted to shift the reading frame beginning at codon 1563 and leads to a stop codon 36 codons downstream. This variant is expected to result in nonsense mediated decay, truncation, or a dysfunctional protein product. This variant is rare in the general population with a frequency below the threshold expected for the associated phenotype(s). This variant has been observed in one or more individuals affected with the associated recessive disease, as either homozygous or compound heterozygous with a second variant (PMID: 15880721). Given the available evidence, this variant is classified as Pathogenic.

Labcorp Genetics (formerly Invitae), Labcorp
Classification: Pathogenic for Ataxia-telangiectasia syndrome. Last evaluated: 2024-08-21. Review status: criteria provided, single submitter. Criteria: Invitae Variant Classification Sherloc (09022015). Collection method: clinical testing. Allele origin: germline.
Comment: This sequence change creates a premature translational stop signal (p.Asp1563Phefs*36) in the ATM gene. It is expected to result in an absent or disrupted protein product. Loss-of-function variants in ATM are known to be pathogenic (PMID: 23807571, 25614872). This variant is not present in population databases (gnomAD no frequency). This premature translational stop signal has been observed in individual(s) with ataxia-telangiectasia (PMID: 15880721). This variant is also known as c.4682-4687del7. ClinVar contains an entry for this variant (Variation ID: 265382). For these reasons, this variant has been classified as Pathogenic.

Ambry Genetics
Classification: Pathogenic for Hereditary cancer-predisposing syndrome. Last evaluated: 2023-08-26. Review status: criteria provided, single submitter. Criteria: Ambry Variant Classification Scheme 2023. Collection method: clinical testing. Allele origin: germline.
Comment: The c.4683_4689delTTTAGAT variant, located in coding exon 30 of the ATM gene, results from a deletion of 7 nucleotides at nucleotide positions 4683 to 4689, causing a translational frameshift with a predicted alternate stop codon (p.D1563Ffs*36). This alteration has been reported in conjunction with a second ATM variant in individuals with ataxia-telangiectasia (Birrell GW et al. Hum Mutat, 2005 Jun;25:593; Barmettler S et al. J Allergy Clin Immunol Pract, 2021 Feb;9:723-732.e3). This alteration has also been reported in an individual with breast cancer (Fostira F et al. J Med Genet, 2020 Jan;57:53-61). This variant is considered to be rare based on population cohorts in the Genome Aggregation Database (gnomAD). In addition to the clinical data presented in the literature, this alteration is expected to result in loss of function by premature protein truncation or nonsense-mediated mRNA decay. As such, this alteration is interpreted as a disease-causing mutation.

GeneDx
Classification: Pathogenic. Last evaluated: 2017-05-25. Review status: criteria provided, single submitter. Criteria: GeneDx Variant Classification (06012015). Collection method: clinical testing. Allele origin: germline. Affected: yes.
Comment: The c.4683_4689delTTTAGAT pathogenic variant in the ATM gene has been reported previously in association with ataxia telangiectasia as c.4682_4687del7 using alternate nomenclature (Birrell et al., 2005). The deletion causes a frameshift starting with codon Aspartic acid 1563, changes this amino acid to a Phenylalanine residue and creates a premature Stop codon at position 36 of the new reading frame, denoted p.Asp1563PhefsX36. This pathogenic variant is predicted to cause loss of normal protein function either through protein truncation or nonsense-mediated mRNA decay. The variant was not observed in approximately 6,500 individuals of European and African American ancestry in the NHLBI Exome Sequencing Project, indicating it is not a common benign variant in these populations. Therefore, this variant is pathogenic.

Literature cited by the submitters: PubMed 15880721 (cited by 3 submitters); PubMed 23807571 (cited by Labcorp Genetics (formerly Invitae), Labcorp); PubMed 25614872 (cited by Labcorp Genetics (formerly Invitae), Labcorp); PubMed 31300551 (cited by Ambry Genetics); PubMed 32818697 (cited by Ambry Genetics).

NM_000051.4(ATM):c.4683_4689del (p.Asp1563fs)

Gene: ATM (ATM serine/threonine kinase; plus strand). Cytogenetic location: 11q22.3.
Variant type: Deletion.
Coding change: c.4683_4689del on transcript NM_000051.4 (MANE Select); coding-DNA positions 4683 to 4689, 7 bases deleted (TTTAGAT; older notation c.4683_4689delTTTAGAT).
Protein change: p.Asp1563fs; shifts the reading frame from aspartic acid 1563.
Molecular consequence: frameshift variant.
Genome position (GRCh38, 1-based): chr11:108,293,384-108,293,390, TTTAGAT deleted; deleting any 7 consecutive bases within chr11:108,293,383-108,293,390 gives the same sequence; the c. name uses the placement nearest the transcript's 3' end. VCF-style (leftmost placement, unchanged base first): chr11-108293382-CTTTTAGA-C. GRCh37 (hg19) VCF-style: chr11-108164109-CTTTTAGA-C.
Other names: c.4683_4689delTTTAGAT (NM_000051.3); c.4683_4689del, p.Asp1563fs (NM_001351834.2); short protein forms D1563fs.
Identifiers: ClinVar variation 265382 (VCV000265382.14), dbSNP rs886039515, ClinGen allele CA10588502.